The following is an entry in ClinVar:

ClinVar aggregate classification (germline): Likely pathogenic (1 of 4 stars; one submission).

Submission:

Labcorp Genetics (formerly Invitae), Labcorp
Classification: Likely pathogenic. Last evaluated: 2026-01-07. Review status: criteria provided, single submitter. Criteria: Invitae Variant Classification Sherloc (09022015). Collection method: clinical testing. Allele origin: germline.
Comment: This sequence change affects an acceptor splice site in intron 4 of the HNF1B gene. It is expected to disrupt RNA splicing. Variants that disrupt the donor or acceptor splice site typically lead to a loss of protein function (PMID: 16199547), and loss-of-function variants in HNF1B are known to be pathogenic (PMID: 9398836, 12148114, 15068978, 20378641). This variant is not present in population databases (gnomAD no frequency). This variant has not been reported in the literature in individuals affected with HNF1B-related conditions. Algorithms developed to predict the effect of sequence changes on RNA splicing suggest that this variant may disrupt the consensus splice site. In summary, the currently available evidence indicates that the variant is pathogenic, but additional data are needed to prove that conclusively. Therefore, this variant has been classified as Likely Pathogenic.

Literature cited by the submitters: PubMed 16199547; PubMed 9398836; PubMed 12148114; PubMed 15068978; PubMed 20378641.

NM_000458.4(HNF1B):c.1046-1G>A

Gene: HNF1B (HNF1 homeobox B; minus strand). Cytogenetic location: 17q12.
Variant type: single nucleotide variant.
Coding change: c.1046-1G>A on transcript NM_000458.4 (MANE Select); the canonical splice acceptor site of the intron before coding-DNA position 1046, G replaced by A.
Molecular consequence: splice acceptor variant.
Genome position (GRCh38, 1-based): chr17:37,710,664, C>T on the plus strand (G>A on the coding strand, the complement: HNF1B is on the minus strand). VCF-style: chr17-37710664-C-T. GRCh37 (hg19) VCF-style: chr17-36070672-C-T.
Other names: c.968-1G>A (NM_001304286.2, NM_001165923.4); c.1046-1G>A (NM_001411100.1).
Identifiers: ClinVar variation 4734363 (VCV004734363.1).
Genomic context (GRCh38, chr17:37,710,664, plus strand): 5'-GGTGACTGATTGTTGAGGAGGAAGTGATCTCATTGTTTCCCTGCTGGCTGTAGCGCACTC[C>T]TGCAAAACAACACAAACCCAGTAGGGAACATTAGTGCCACCAGGGTCCTGGAACAATGAC-3'